The following is an entry in ClinVar:

ClinVar aggregate classification (germline): Uncertain significance (1 of 4 stars; one submission).

Conditions:
Charcot-Marie-Tooth disease type 2. Also called: Charcot-Marie-Tooth type 2. Identifiers: Orphanet 64746, MedGen C0270914, MONDO:0018993.

Submission:

Labcorp Genetics (formerly Invitae), Labcorp
Classification: Uncertain significance for Charcot-Marie-Tooth disease type 2. Last evaluated: 2021-03-17. Review status: criteria provided, single submitter. Criteria: Invitae Variant Classification Sherloc (09022015). Collection method: clinical testing. Allele origin: germline.
Comment: In summary, the available evidence is currently insufficient to determine the role of this variant in disease. Therefore, it has been classified as a Variant of Uncertain Significance. This variant has not been reported in the literature in individuals with GARS-related conditions. This variant is not present in population databases (ExAC no frequency). This sequence change creates a premature translational stop signal (p.Ser237*) in the GARS gene. It is expected to result in an absent or disrupted protein product. However, the current clinical and genetic evidence is not sufficient to establish whether loss-of-function variants in GARS cause disease.

NM_002047.4(GARS1):c.710C>A (p.Ser237Ter)

Gene: GARS1 (glycyl-tRNA synthetase 1; plus strand). Cytogenetic location: 7p14.3.
Variant type: single nucleotide variant.
Coding change: c.710C>A on transcript NM_002047.4 (MANE Select); coding-DNA position 710, C replaced by A.
Protein change: p.Ser237Ter; replaces serine 237 with a stop codon.
Molecular consequence: nonsense.
Genome position (GRCh38, 1-based): chr7:30,603,547, C>A. VCF-style: chr7-30603547-C-A. GRCh37 (hg19) VCF-style: chr7-30643163-C-A.
Other names: c.548C>A, p.Ser183Ter (NM_001316772.1); short protein forms S183*, S237*.
Identifiers: ClinVar variation 1680912 (VCV001680912.6), dbSNP rs2128133017, ClinGen allele CA367139982.
Genomic context (GRCh38, chr7:30,603,547, plus strand): 5'-TTCTTACAGCTCATTTACAGAAATTGATGTCTGATAAGAAGTGTTCTGTCGAAAAGAAAT[C>A]AGAAATGGAAAGTGTTTTGGCCCAGGTGAGTACTCTAGAGATGTTATCAGAGTAACCTAG-3'